The following is an entry in ClinVar:

NM_004006.3(DMD):c.4069G>A (p.Glu1357Lys)

Gene: DMD (dystrophin; minus strand). Cytogenetic location: Xp21.1.
Variant type: single nucleotide variant.
Coding change: c.4069G>A on transcript NM_004006.3 (MANE Select); coding-DNA position 4069, G replaced by A.
Protein change: p.Glu1357Lys; replaces glutamic acid 1357 with lysine.
Molecular consequence: missense variant.
Genome position (GRCh38, 1-based): chrX:32,438,243, C>T on the plus strand (G>A on the coding strand, the complement: DMD is on the minus strand). VCF-style: chrX-32438243-C-T. GRCh37 (hg19) VCF-style: chrX-32456360-C-T.
Other names: c.4045G>A, p.Glu1349Lys (NM_000109.4); c.4057G>A, p.Glu1353Lys (NM_004009.3); c.3700G>A, p.Glu1234Lys (NM_004010.3); short protein forms E1349K, E1353K, E1357K, E1234K.
Identifiers: ClinVar variation 5035376 (VCV005035376.1).

ClinVar aggregate classification (germline): Uncertain significance (1 of 4 stars; one submission).

Conditions:
Cardiovascular phenotype. Identifiers: MedGen CN230736.

gnomAD v4.1: 1 of 1,211,012 alleles (0.000083%); highest among the groups gnomAD compares: Non-Finnish European, 0.00011%; no homozygotes.

Submission:

Ambry Genetics
Classification: Uncertain significance for Cardiovascular phenotype. Last evaluated: 2026-07-13. Review status: criteria provided, single submitter. Criteria: Ambry Variant Classification Scheme 2023. Collection method: clinical testing. Allele origin: germline.
Comment: The p.E1357K variant (also known as c.4069G>A), located in coding exon 29 of the DMD gene, results from a G to A substitution at nucleotide position 4069. The glutamic acid at codon 1357 is replaced by lysine, an amino acid with similar properties. This amino acid position is conserved. In addition, this alteration is predicted to be tolerated by in silico analysis. Based on the available evidence, the clinical significance of this variant remains unclear.